The following is an entry in ClinVar:

NM_000540.3(RYR1):c.6175_6187del (p.Leu2059fs)

Gene: RYR1 (ryanodine receptor 1; plus strand). Cytogenetic location: 19q13.2.
Variant type: Deletion.
Coding change: c.6175_6187del on transcript NM_000540.3 (MANE Select); coding-DNA positions 6175 to 6187, 13 bases deleted (CTGGGCAGCCGCC).
Protein change: p.Leu2059fs; shifts the reading frame from leucine 2059.
Molecular consequence: frameshift variant.
Genome position (GRCh38, 1-based): chr19:38,492,537-38,492,549, CTGGGCAGCCGCC deleted; deleting any 13 consecutive bases within chr19:38,492,535-38,492,549 gives the same sequence; the c. name uses the placement nearest the transcript's 3' end. VCF-style (leftmost placement, unchanged base first): chr19-38492534-ACCCTGGGCAGCCG-A. GRCh37 (hg19) VCF-style: chr19-38983174-ACCCTGGGCAGCCG-A.
Other names: c.6175_6187del, p.Leu2059fs (NM_001042723.2); short protein forms L2059fs.
Identifiers: ClinVar variation 3723558 (VCV003723558.2).

ClinVar aggregate classification (germline): Pathogenic (1 of 4 stars; one submission).

Conditions:
RYR1-related disorder. Also called: RYR1-related condition; RYR1-related disorders. Identifiers: MedGen CN239331.

Submission:

Labcorp Genetics (formerly Invitae), Labcorp
Classification: Pathogenic for RYR1-related disorder. Last evaluated: 2025-01-12. Review status: criteria provided, single submitter. Criteria: Invitae Variant Classification Sherloc (09022015). Collection method: clinical testing. Allele origin: germline.
Comment: This sequence change creates a premature translational stop signal (p.Leu2059Serfs*2) in the RYR1 gene. It is expected to result in an absent or disrupted protein product. Loss-of-function variants in RYR1 are known to be pathogenic (PMID: 23919265, 25960145, 28818389, 30611313). This variant is not present in population databases (gnomAD no frequency). This premature translational stop signal has been observed in individual(s) with RYR1-related conditions (PMID: 20839240). For these reasons, this variant has been classified as Pathogenic.

Literature cited by the submitters: PubMed 23919265; PubMed 25960145; PubMed 28818389; PubMed 30611313; PubMed 20839240.